The following is an entry in ClinVar:

NM_014915.3(ANKRD26):c.3140A>G (p.Lys1047Arg)

Gene: ANKRD26 (ankyrin repeat domain 26; minus strand). Cytogenetic location: 10p12.1.
Variant type: single nucleotide variant.
Coding change: c.3140A>G on transcript NM_014915.3 (MANE Select); coding-DNA position 3140, A replaced by G.
Protein change: p.Lys1047Arg; replaces lysine 1047 with arginine.
Molecular consequence: missense variant.
Genome position (GRCh38, 1-based): chr10:27,035,310, T>C on the plus strand (A>G on the coding strand, the complement: ANKRD26 is on the minus strand). VCF-style: chr10-27035310-T-C. GRCh37 (hg19) VCF-style: chr10-27324239-T-C.
Other names: c.3137A>G, p.Lys1046Arg (NM_001256053.2); short protein forms K1046R, K1047R.
Identifiers: ClinVar variation 2889429 (VCV002889429.3), dbSNP rs1480582714, ClinGen allele CA376364028.

ClinVar aggregate classification (germline): Uncertain significance (1 of 4 stars; one submission).

gnomAD v4.1: 1 of 1,613,910 alleles (0.000062%); highest among the groups gnomAD compares: Non-Finnish European, 0.000085%; no homozygotes.

Submission:

Labcorp Genetics (formerly Invitae), Labcorp
Classification: Uncertain significance. Last evaluated: 2023-01-03. Review status: criteria provided, single submitter. Criteria: Invitae Variant Classification Sherloc (09022015). Collection method: clinical testing. Allele origin: germline.
Comment: This variant is present in population databases (no rsID available, gnomAD 0.0009%). This sequence change replaces lysine, which is basic and polar, with arginine, which is basic and polar, at codon 1047 of the ANKRD26 protein (p.Lys1047Arg). This variant has not been reported in the literature in individuals affected with ANKRD26-related conditions. In summary, the available evidence is currently insufficient to determine the role of this variant in disease. Therefore, it has been classified as a Variant of Uncertain Significance. Algorithms developed to predict the effect of missense changes on protein structure and function output the following: SIFT: "Deleterious"; PolyPhen-2: "Benign"; Align-GVGD: "Class C0". The arginine amino acid residue is found in multiple mammalian species, which suggests that this missense change does not adversely affect protein function.